The following is an entry in ClinVar:

NM_130384.3(ATRIP):c.206A>T (p.Gln69Leu)

Genes: ATRIP (ATR interacting protein; plus strand), ATRIP-TREX1 (ATRIP-TREX1 readthrough; plus strand). Cytogenetic location: 3p21.31.
Variant type: single nucleotide variant.
Coding change: c.206A>T on transcript NM_130384.3 (MANE Select); coding-DNA position 206, A replaced by T.
Protein change: p.Gln69Leu; replaces glutamine 69 with leucine.
Molecular consequence: missense variant. On other transcripts: non-coding transcript variant (1), intron variant (1).
Genome position (GRCh38, 1-based): chr3:48,447,051, A>T. VCF-style: chr3-48447051-A-T. GRCh37 (hg19) VCF-style: chr3-48488455-A-T.
Other names: c.206A>T, p.Gln69Leu (NM_032166.4); c.-218+252A>T (NM_001271022.2); short protein forms Q69L.
Identifiers: ClinVar variation 4867238 (VCV004867238.1).

ClinVar aggregate classification (germline): Uncertain significance (1 of 4 stars; one submission).

gnomAD v4.1: 1 of 1,568,130 alleles (0.000064%); highest among the groups gnomAD compares: African/African-American, 0.0014%; no homozygotes.

Submission:

Ambry Genetics
Classification: Uncertain significance. Last evaluated: 2026-05-14. Review status: criteria provided, single submitter. Criteria: Ambry Variant Classification Scheme 2023. Collection method: clinical testing. Allele origin: germline.
Comment: The p.Q69L variant (also known as c.206A>T), located in coding exon 1 of the ATRIP gene, results from an A to T substitution at nucleotide position 206. The glutamine at codon 69 is replaced by leucine, an amino acid with dissimilar properties. This amino acid position is conserved. In addition, the in silico prediction for this alteration is inconclusive. Based on the available evidence, the clinical significance of this variant remains unclear.